The following is an entry in ClinVar:

NM_001042492.3(NF1):c.6006+1G>T

Gene: NF1 (neurofibromin 1; plus strand). Cytogenetic location: 17q11.2.
Variant type: single nucleotide variant.
Coding change: c.6006+1G>T on transcript NM_001042492.3 (MANE Select); the canonical splice donor site of the intron after coding-DNA position 6006, G replaced by T.
Molecular consequence: splice donor variant.
Genome position (GRCh38, 1-based): chr17:31,335,032, G>T. VCF-style: chr17-31335032-G-T. GRCh37 (hg19) VCF-style: chr17-29662050-G-T.
Other names: c.5943+1G>T (NM_000267.4).
Identifiers: ClinVar variation 996372 (VCV000996372.12), dbSNP rs1555534433, ClinGen allele CA399010984.

ClinVar aggregate classification (germline): Pathogenic/Likely pathogenic. Review status: criteria provided, multiple submitters, no conflicts (2 of 4 stars). 5 submissions from 5 submitters: Pathogenic (4); Likely pathogenic (1). Last evaluated 2026-06-12.
ClinVar aggregate classification (oncogenicity): Likely oncogenic (1 of 4 stars; one submission).

Conditions:
Cardiovascular phenotype. Identifiers: MedGen CN230736.
Hereditary cancer-predisposing syndrome. Also called: Hereditary Cancer Syndrome; Neoplastic Syndromes, Hereditary; Tumor predisposition; Hereditary neoplastic syndrome. Identifiers: Orphanet 140162, MedGen C0027672, MeSH D009386, MONDO:0015356.
Neurofibromatosis, type 1 (NF1). Also called: Peripheral type neurofibromatosis; VON RECKLINGHAUSEN DISEASE; Neurofibromatosis, type I; NEUROFIBROMATOSIS, TYPE I, SOMATIC. Identifiers: Orphanet 636, MedGen C0027831, MONDO:0018975, OMIM 162200. Disease mechanism: loss of function.
Neoplasm. Also called: Neoplasms; Neoplasm (disease); tumor. Identifiers: MedGen C0027651, MeSH D009369, MONDO:0005070, HP:0002664.

Submissions (6):

Ambry Genetics
Classification: Pathogenic for Cardiovascular phenotype; Hereditary cancer-predisposing syndrome. Last evaluated: 2026-06-12. Review status: criteria provided, single submitter. Criteria: Ambry Variant Classification Scheme 2023. Collection method: clinical testing. Allele origin: germline.
Comment: The c.5943+1G>T intronic pathogenic mutation results from a G to T substitution one nucleotide after coding exon 39 of the NF1 gene. This variant was reported in individual(s) with features consistent with neurofibromatosis type 1 (Mattocks C et al. J Med Genet, 2004 Apr;41:e48; Wang X et al. Genes Chromosomes Cancer, 2018 Jan;57:19-27; Wang X et al. Cancer Prev Res (Phila), 2018 Oct;11:655-664; Hida T et al. Eur J Dermatol, 2020 Oct;30:608-609). This variant is considered to be rare based on population cohorts in the Genome Aggregation Database (gnomAD). Other variant(s) impacting the same donor site (c.5943+1G>A) have been identified in individual(s) with features consistent with neurofibromatosis type 1. This nucleotide position is highly conserved in available vertebrate species. In silico splice site analysis predicts that this alteration will weaken the native splice donor site and will result in the creation or strengthening of a novel splice donor site. Variants that disrupt the canonical splice site are expected to cause aberrant splicing, resulting in an abnormal protein or a transcript that is subject to nonsense-mediated mRNA decay. As such, this variant is classified as a disease-causing mutation.

Labcorp Genetics (formerly Invitae), Labcorp
Classification: Pathogenic for Neurofibromatosis, type 1. Last evaluated: 2025-10-13. Review status: criteria provided, single submitter. Criteria: Invitae Variant Classification Sherloc (09022015). Collection method: clinical testing. Allele origin: germline.
Comment: This sequence change affects a donor splice site in intron 39 of the NF1 gene. RNA analysis indicates that disruption of this splice site induces altered splicing and may result in an absent or altered protein product. This variant is not present in population databases (gnomAD no frequency). Disruption of this splice site has been observed in individuals with clinical features of neurofibromatosis type 1 (PMID: 15060124, 28891274, 30104415). Invitae Evidence Modeling of clinical and family history, age, sex, and reported ancestry of multiple individuals with this NF1 variant has been performed. This variant is expected to be pathogenic with a positive predictive value of at least 99%. This is a validated machine learning model that incorporates the clinical features of 1,785,918 individuals referred to our laboratory for NF1 testing. ClinVar contains an entry for this variant (Variation ID: 996372). Studies have shown that disruption of this splice site results in skipping of partial exon 39, and produces a non-functional protein and/or introduces a premature termination codon (internal data). For these reasons, this variant has been classified as Pathogenic.

Mayo Clinic Laboratories, Mayo Clinic
Classification: Likely pathogenic. Last evaluated: 2025-08-27. Review status: criteria provided, single submitter. Criteria: ACMG Guidelines, 2015. Collection method: clinical testing. Allele origin: germline. Observed: 1 variant allele.
Comment: PP4, PM2_supporting, PVS1

Center for Genomic Medicine, Rigshospitalet, Copenhagen University Hospital
Classification: Likely oncogenic for Neoplasm. Last evaluated: 2025-03-04. Review status: criteria provided, single submitter. Criteria: ClinGen/CGC/VICC Guidelines for Oncogenicity, 2022. Collection method: clinical testing. Allele origin: somatic. Affected: yes.

Genome-Nilou Lab
Classification: Pathogenic for Neurofibromatosis, type 1. Last evaluated: 2022-03-15. Review status: criteria provided, single submitter. Criteria: ACMG Guidelines, 2015. Collection method: clinical testing. Allele origin: germline. Affected: no.

Genome Diagnostics Laboratory, The Hospital for Sick Children
Classification: Pathogenic for Neurofibromatosis, type 1. Last evaluated: 2020-10-26. Review status: criteria provided, single submitter. Criteria: ACMG Guidelines, 2015. Collection method: clinical testing. Allele origin: germline. Affected: yes.

Literature cited by the submitters: PubMed 15060124 (cited by 4 submitters); PubMed 28891274 (cited by 3 submitters); PubMed 30104415 (cited by Ambry Genetics and Labcorp Genetics (formerly Invitae), Labcorp); PubMed 33185534 (cited by Ambry Genetics and Mayo Clinic Laboratories, Mayo Clinic).